The following is an entry in ClinVar:

ClinVar aggregate classification (germline): Uncertain significance (1 of 4 stars; one submission).

Allele frequency attached by ClinVar (database versions not stated): gnomAD exomes below 0.00001.
gnomAD v4.1: 5 of 1,558,984 alleles (0.00032%); highest among the groups gnomAD compares: Admixed American, 0.0019%; no homozygotes.

Submission:

Labcorp Genetics (formerly Invitae), Labcorp
Classification: Uncertain significance. Last evaluated: 2022-07-07. Review status: criteria provided, single submitter. Criteria: Invitae Variant Classification Sherloc (09022015). Collection method: clinical testing. Allele origin: germline.
Comment: Algorithms developed to predict the effect of missense changes on protein structure and function are either unavailable or do not agree on the potential impact of this missense change (SIFT: "Deleterious"; PolyPhen-2: "Benign"; Align-GVGD: "Class C0"). This variant has not been reported in the literature in individuals affected with FRAS1-related conditions. This variant is present in population databases (rs769097438, gnomAD 0.004%). This sequence change replaces serine, which is neutral and polar, with asparagine, which is neutral and polar, at codon 1578 of the FRAS1 protein (p.Ser1578Asn). In summary, the available evidence is currently insufficient to determine the role of this variant in disease. Therefore, it has been classified as a Variant of Uncertain Significance.

NM_025074.7(FRAS1):c.4733G>A (p.Ser1578Asn)

Gene: FRAS1 (Fraser extracellular matrix complex subunit 1; plus strand). Cytogenetic location: 4q21.21.
Variant type: single nucleotide variant.
Coding change: c.4733G>A on transcript NM_025074.7 (MANE Select); coding-DNA position 4733, G replaced by A.
Protein change: p.Ser1578Asn; replaces serine 1578 with asparagine.
Molecular consequence: missense variant.
Genome position (GRCh38, 1-based): chr4:78,429,116, G>A. VCF-style: chr4-78429116-G-A. GRCh37 (hg19) VCF-style: chr4-79350270-G-A.
Other names: c.4733G>A, p.Ser1578Asn (NM_001166133.2); short protein forms S1578N.
Identifiers: ClinVar variation 2014841 (VCV002014841.4), dbSNP rs769097438, ClinGen allele CA2977317.